The following is an entry in ClinVar:

NM_138927.4(SON):c.5968C>T (p.Arg1990Cys)

Gene: SON (SON DNA and RNA binding protein; plus strand). Cytogenetic location: 21q22.11.
Variant type: single nucleotide variant.
Coding change: c.5968C>T on transcript NM_138927.4 (MANE Select); coding-DNA position 5968, C replaced by T.
Protein change: p.Arg1990Cys; replaces arginine 1990 with cysteine.
Molecular consequence: missense variant. On other transcripts: non-coding transcript variant (1), intron variant (1).
Genome position (GRCh38, 1-based): chr21:33,555,199, C>T. VCF-style: chr21-33555199-C-T. GRCh37 (hg19) VCF-style: chr21-34927505-C-T.
Other names: c.5968C>T, p.Arg1990Cys (NM_001291411.2, NM_032195.3); c.245-1957C>T (NM_001291412.3); short protein forms R1990C.
Identifiers: ClinVar variation 3902667 (VCV003902667.1).

ClinVar aggregate classification (germline): Uncertain significance (1 of 4 stars; one submission).

gnomAD v4.1: 12 of 1,587,038 alleles (0.00076%); highest among the groups gnomAD compares: Non-Finnish European, 0.001%; no homozygotes.

Submission:

Women's Health and Genetics/Laboratory Corporation of America, LabCorp
Classification: Uncertain significance. Last evaluated: 2025-05-27. Review status: criteria provided, single submitter. Criteria: LabCorp Variant Classification Summary - May 2015. Collection method: clinical testing. Allele origin: germline.
Comment: Variant summary: SON c.5968C>T (p.Arg1990Cys) results in a non-conservative amino acid change in the encoded protein sequence. Algorithms developed to predict the effect of missense changes on protein structure and function are either unavailable or do not agree on the potential impact of this missense change. The frequency data for this variant in gnomAD is considered unreliable, as metrics indicate poor data quality at this position. c.5968C>T has been observed with a missense variant in the CACNA1G gene in an individual affected with pediatric epilepsy (Koh_2023). This report does not provide unequivocal conclusions about association of the variant with ZTTK Syndrome. To our knowledge, no experimental evidence demonstrating an impact on protein function has been reported. The following publication have been ascertained in the context of this evaluation (PMID: 37471090). No submitters have cited clinical-significance assessments for this variant to ClinVar. Based on the evidence outlined above, the variant was classified as uncertain significance.

Literature cited by the submitters: PubMed 37471090.